The following is an entry in ClinVar:

ClinVar aggregate classification (germline): Conflicting classifications of pathogenicity. Review status: criteria provided, conflicting classifications (1 of 4 stars). 4 submissions from 4 submitters: Pathogenic (1); Uncertain significance (2). 1 of the submissions does not count toward it. Last evaluated 2025-01-31.

Conditions:
Neurodevelopmental disorder with spasticity, cataracts, and cerebellar hypoplasia. Also called: NEURODEVELOPMENTAL DISORDER WITH SPASTICITY, CATARACTS, AND CEREBELLAR ATROPHY. Identifiers: MedGen C5543306, MONDO:0859137, OMIM 619286.
MED27-related disorders.

Allele frequency attached by ClinVar (database versions not stated): TOPMed below 0.00001; gnomAD exomes 0.00001 and 0.00005; ExAC 0.00003; gnomAD 0.00007 and 0.00008.
gnomAD v4.1: 31 of 1,612,684 alleles (0.0019%); highest among the groups gnomAD compares: Non-Finnish European, 0.00034%; no homozygotes.

Submissions (4):

Ozbek Human Genetics Laboratory, Izmir Biomedicine and Genome Center
Classification: Uncertain significance for Neurodevelopmental disorder with spasticity, cataracts, and cerebellar hypoplasia. Last evaluated: 2025-01-31. Review status: criteria provided, single submitter. Criteria: ACMG Guidelines, 2015. Collection method: research. Allele origin: unknown. Affected: yes. Observed: 1 variant allele, 1 homozygote.
Comment: A homozygous (NM_004269.4):c.839C>T p.(Pro280Leu) missense variant was detected in exon 8 of the MED27 gene. This variant is reported very rarely in population databases (PM2). This variant is known to be reported as pathogenic, but the evidence is insufficient for an independent evaluation (PP5_moderate) (PMID: 33443317, 37517035). Based on this information, this variant is classified as a Variant of Uncertain Significance (VUS) according to ACMG criteria.Data obtained via the RAREBOOST project (Horizon 2020 ERA Chairs at Izmir Biomedicine and Genome Center - IBG)

Blueprint Genetics
Classification: Pathogenic for MED27-related disorders. Last evaluated: 2022-09-14. Review status: criteria provided, single submitter. Criteria: ACMG Guidelines, 2015. Collection method: clinical testing. Allele origin: germline. Affected: yes. Observed: 4 variant alleles.

GeneDx
Classification: Uncertain significance. Last evaluated: 2021-04-28. Review status: criteria provided, single submitter. Criteria: GeneDx Variant Classification Process June 2021. Collection method: clinical testing. Allele origin: germline. Affected: yes.
Comment: In silico analysis, which includes protein predictors and evolutionary conservation, supports a deleterious effect; This variant is associated with the following publications: (PMID: 33443317)

OMIM
Classification: Pathogenic for NEURODEVELOPMENTAL DISORDER WITH SPASTICITY, CATARACTS, AND CEREBELLAR ATROPHY. Last evaluated: 2026-01-23. Review status: no assertion criteria provided. Collection method: literature only. Allele origin: germline. Not counted in ClinVar's aggregate classification.

Literature cited by the submitters: PubMed 33443317 (cited by Ozbek Human Genetics Laboratory, Izmir Biomedicine and Genome Center and OMIM); PubMed 37517035 (cited by Ozbek Human Genetics Laboratory, Izmir Biomedicine and Genome Center).

NM_004269.4(MED27):c.839C>T (p.Pro280Leu)

Gene: MED27 (mediator complex subunit 27; minus strand). Cytogenetic location: 9q34.13.
Variant type: single nucleotide variant.
Coding change: c.839C>T on transcript NM_004269.4 (MANE Select); coding-DNA position 839, C replaced by T.
Protein change: p.Pro280Leu; replaces proline 280 with leucine.
Molecular consequence: missense variant.
Genome position (GRCh38, 1-based): chr9:131,860,635, G>A on the plus strand (C>T on the coding strand, the complement: MED27 is on the minus strand). VCF-style: chr9-131860635-G-A. GRCh37 (hg19) VCF-style: chr9-134736022-G-A.
Other names: c.731C>T, p.Pro244Leu (NM_001253881.2); short protein forms P280L, P244L.
Identifiers: ClinVar variation 1064749 (VCV001064749.6), dbSNP rs778593272, ClinGen allele CA5295513.